The following is an entry in ClinVar:

NM_000492.4(CFTR):c.2360C>A (p.Thr787Lys)

Gene: CFTR (CF transmembrane conductance regulator; plus strand). Cytogenetic location: 7q31.2.
Variant type: single nucleotide variant.
Coding change: c.2360C>A on transcript NM_000492.4 (MANE Select); coding-DNA position 2360, C replaced by A.
Protein change: p.Thr787Lys; replaces threonine 787 with lysine.
Molecular consequence: missense variant.
Genome position (GRCh38, 1-based): chr7:117,592,527, C>A. VCF-style: chr7-117592527-C-A. GRCh37 (hg19) VCF-style: chr7-117232581-C-A.
Other names: short protein forms T787K.
Identifiers: ClinVar variation 1396341 (VCV001396341.8), dbSNP rs2116033185, ClinGen allele CA368981053.

ClinVar aggregate classification (germline): Uncertain significance. Review status: criteria provided, multiple submitters, no conflicts (2 of 4 stars). 2 submissions from 2 submitters: Uncertain significance (2). Last evaluated 2022-09-17.

Conditions:
Cystic fibrosis (CF). Also called: MUCOVISCIDOSIS. Identifiers: Orphanet 586, MedGen C0010674, MONDO:0009061, OMIM 219700. Disease mechanism: loss of function.

Submissions (2):

Ambry Genetics
Classification: Uncertain significance for Cystic fibrosis. Last evaluated: 2022-09-17. Review status: criteria provided, single submitter. Criteria: Ambry Variant Classification Scheme 2023. Collection method: clinical testing. Allele origin: germline.
Comment: The p.T787K variant (also known as c.2360C>A), located in coding exon 14 of the CFTR gene, results from a C to A substitution at nucleotide position 2360. The threonine at codon 787 is replaced by lysine, an amino acid with similar properties. This amino acid position is conserved. In addition, the in silico prediction for this alteration is inconclusive. Since supporting evidence is limited at this time, the clinical significance of this alteration remains unclear.

Labcorp Genetics (formerly Invitae), Labcorp
Classification: Uncertain significance for Cystic fibrosis. Last evaluated: 2021-12-06. Review status: criteria provided, single submitter. Criteria: Invitae Variant Classification Sherloc (09022015). Collection method: clinical testing. Allele origin: germline.
Comment: Algorithms developed to predict the effect of missense changes on protein structure and function (SIFT, PolyPhen-2, Align-GVGD) all suggest that this variant is likely to be tolerated. In summary, the available evidence is currently insufficient to determine the role of this variant in disease. Therefore, it has been classified as a Variant of Uncertain Significance. This variant is not present in population databases (gnomAD no frequency). This sequence change replaces threonine, which is neutral and polar, with lysine, which is basic and polar, at codon 787 of the CFTR protein (p.Thr787Lys). This variant has not been reported in the literature in individuals affected with CFTR-related conditions.